The following is an entry in ClinVar:

NM_020738.4(KIDINS220):c.1235G>A (p.Cys412Tyr)

Gene: KIDINS220 (kinase D interacting substrate 220; minus strand). Cytogenetic location: 2p25.1.
Variant type: single nucleotide variant.
Coding change: c.1235G>A on transcript NM_020738.4 (MANE Select); coding-DNA position 1235, G replaced by A.
Protein change: p.Cys412Tyr; replaces cysteine 412 with tyrosine.
Molecular consequence: missense variant. On other transcripts: non-coding transcript variant (2).
Genome position (GRCh38, 1-based): chr2:8,793,851, C>T on the plus strand (G>A on the coding strand, the complement: KIDINS220 is on the minus strand). VCF-style: chr2-8793851-C-T. GRCh37 (hg19) VCF-style: chr2-8933981-C-T.
Other names: c.1238G>A, p.Cys413Tyr (NM_001348729.2, NM_001348731.2, NM_001348734.2 and 3 more transcripts); c.1235G>A, p.Cys412Tyr (NM_001348732.2, NM_001348735.2, NM_001348738.2 and 3 more transcripts); c.1109G>A, p.Cys370Tyr (NM_001348736.2); short protein forms C412Y, C413Y, C370Y.
Identifiers: ClinVar variation 2863253 (VCV002863253.3), dbSNP rs1572685666, ClinGen allele CA345769389.
Genomic context (GRCh38, chr2:8,793,851, plus strand): 5'-AGCAAAACTCAATACTTACTGGCTCCAAATATTTGAGTTAAAATACTCTTCTGATGGCTA[C>T]AGTCAATATTATAAGGAGTCTCGCCTGCTTTGTTGGGCCTATAAAGTAATCGCCCATCTT-3'
Protein context (NP_065789.1, residues 402-422): KAGETPYNID[Cys412Tyr]SHQKSILTQI

ClinVar aggregate classification (germline): Uncertain significance (1 of 4 stars; one submission).

Submission:

Labcorp Genetics (formerly Invitae), Labcorp
Classification: Uncertain significance. Last evaluated: 2023-06-24. Review status: criteria provided, single submitter. Criteria: Invitae Variant Classification Sherloc (09022015). Collection method: clinical testing. Allele origin: germline.
Comment: This sequence change replaces cysteine, which is neutral and slightly polar, with tyrosine, which is neutral and polar, at codon 412 of the KIDINS220 protein (p.Cys412Tyr). This variant is not present in population databases (gnomAD no frequency). This variant has not been reported in the literature in individuals affected with KIDINS220-related conditions. An algorithm developed to predict the effect of missense changes on protein structure and function (PolyPhen-2) suggests that this variant is likely to be disruptive. In summary, the available evidence is currently insufficient to determine the role of this variant in disease. Therefore, it has been classified as a Variant of Uncertain Significance.